The following is an entry in ClinVar:

NM_001199753.2(CPT1C):c.1027C>T (p.Arg343Cys)

Gene: CPT1C (carnitine palmitoyltransferase 1C; plus strand). Cytogenetic location: 19q13.33.
Variant type: single nucleotide variant.
Coding change: c.1027C>T on transcript NM_001199753.2 (MANE Select); coding-DNA position 1027, C replaced by T.
Protein change: p.Arg343Cys; replaces arginine 343 with cysteine.
Molecular consequence: missense variant. On other transcripts: non-coding transcript variant (1).
Genome position (GRCh38, 1-based): chr19:49,705,971, C>T. VCF-style: chr19-49705971-C-T. GRCh37 (hg19) VCF-style: chr19-50209228-C-T.
Other names: c.994C>T, p.Arg332Cys (NM_001136052.3, NM_001378485.1, NM_001378487.1); c.1027C>T, p.Arg343Cys (NM_001199752.3, NM_001378483.1, NM_001378484.1 and 3 more transcripts); c.1093C>T, p.Arg365Cys (NM_001378482.1); short protein forms R332C, R343C, R365C.
Identifiers: ClinVar variation 1021430 (VCV001021430.9), dbSNP rs202048325, ClinGen allele CA9582057.

ClinVar aggregate classification (germline): Uncertain significance (1 of 4 stars; one submission).

Conditions:
Hereditary spastic paraplegia 73. Also called: Spastic paraplegia 73, autosomal dominant. Identifiers: Orphanet 444099, MedGen C5568981, MONDO:0014568, OMIM 616282.

Allele frequency attached by ClinVar (database versions not stated): ExAC 0.00001; gnomAD 0.00001; gnomAD exomes 0.00001; TOPMed 0.00002; 1000 Genomes Project 30x 0.00016; 1000 Genomes Project 0.00020.
gnomAD v4.1: 9 of 1,613,968 alleles (0.00056%); highest among the groups gnomAD compares: Admixed American, 0.0017%; no homozygotes.

Submission:

Labcorp Genetics (formerly Invitae), Labcorp
Classification: Uncertain significance for Hereditary spastic paraplegia 73. Last evaluated: 2020-03-03. Review status: criteria provided, single submitter. Criteria: Invitae Variant Classification Sherloc (09022015). Collection method: clinical testing. Allele origin: germline.
Comment: In summary, the available evidence is currently insufficient to determine the role of this variant in disease. Therefore, it has been classified as a Variant of Uncertain Significance. Algorithms developed to predict the effect of missense changes on protein structure and function (SIFT, PolyPhen-2, Align-GVGD) all suggest that this variant is likely to be disruptive, but these predictions have not been confirmed by published functional studies and their clinical significance is uncertain. This variant has not been reported in the literature in individuals with CPT1C-related conditions. This variant is present in population databases (rs202048325, ExAC 0.01%). This sequence change replaces arginine with cysteine at codon 332 of the CPT1C protein (p.Arg332Cys). The arginine residue is moderately conserved and there is a large physicochemical difference between arginine and cysteine.